The following is an entry in ClinVar:

ClinVar aggregate classification (germline): Uncertain significance (1 of 4 stars; one submission).

Conditions:
Cardiovascular phenotype. Identifiers: MedGen CN230736.

Allele frequency attached by ClinVar (database versions not stated): gnomAD exomes below 0.00001; gnomAD 0.00001; TOPMed 0.00002.
gnomAD v4.1: 3 of 1,613,478 alleles (0.00019%); highest among the groups gnomAD compares: African/African-American, 0.004%; no homozygotes.

Submission:

Ambry Genetics
Classification: Uncertain significance for Cardiovascular phenotype. Last evaluated: 2019-10-03. Review status: criteria provided, single submitter. Criteria: Ambry Variant Classification Scheme 2023. Collection method: clinical testing. Allele origin: germline.
Comment: The p.R14528G variant (also known as c.43582A>G), located in coding exon 153 of the TTN gene, results from an A to G substitution at nucleotide position 43582. The arginine at codon 14528 is replaced by glycine, an amino acid with dissimilar properties. This amino acid position is poorly conserved in available vertebrate species. In addition, this alteration is predicted to be tolerated by in silico analysis. Since supporting evidence is limited at this time, the clinical significance of this alteration remains unclear.

NM_001267550.2(TTN):c.70777A>G (p.Arg23593Gly)

Genes: TTN (titin; minus strand), TTN-AS1 (TTN antisense RNA 1; plus strand). Cytogenetic location: 2q31.2.
Variant type: single nucleotide variant.
Coding change: c.70777A>G on transcript NM_001267550.2 (MANE Select); coding-DNA position 70777, A replaced by G.
Protein change: p.Arg23593Gly; replaces arginine 23593 with glycine.
Molecular consequence: missense variant.
Genome position (GRCh38, 1-based): chr2:178,575,355, T>C on the plus strand (A>G on the coding strand, the complement: TTN is on the minus strand). VCF-style: chr2-178575355-T-C. GRCh37 (hg19) VCF-style: chr2-179440082-T-C.
Other names: c.65854A>G, p.Arg21952Gly (NM_001256850.1); c.43582A>G, p.Arg14528Gly (NM_003319.4); c.63073A>G, p.Arg21025Gly (NM_133378.4); c.43957A>G, p.Arg14653Gly (NM_133432.3); c.44158A>G, p.Arg14720Gly (NM_133437.4); short protein forms R21025G, R14528G, R14653G, R14720G, R21952G, R23593G.
Identifiers: ClinVar variation 1739970 (VCV001739970.2), dbSNP rs930124570, ClinGen allele CA61002595.